The following is an entry in ClinVar:

ClinVar aggregate classification (germline): Uncertain significance (1 of 4 stars; one submission).

Conditions:
Symmetrical dyschromatosis of extremities (DSH). Also called: RETICULATE ACROPIGMENTATION OF DOHI; SYMMETRIC DYSCHROMATOSIS OF THE EXTREMITIES; DYSCHROMATOSIS SYMMETRICA HEREDITARIA 1; Dyschromatosis symmetrica hereditaria. Identifiers: Orphanet 41, MedGen C0406775, MONDO:0007483, OMIM 127400.
Aicardi-Goutieres syndrome 6 (AGS6). Identifiers: Orphanet 51, MedGen C3539013, MONDO:0014007, OMIM 615010.

Submission:

Labcorp Genetics (formerly Invitae), Labcorp
Classification: Uncertain significance for Aicardi-Goutieres syndrome 6; Symmetrical dyschromatosis of extremities. Last evaluated: 2023-10-29. Review status: criteria provided, single submitter. Criteria: Invitae Variant Classification Sherloc (09022015). Collection method: clinical testing. Allele origin: germline.
Comment: This sequence change falls in intron 4 of the ADAR gene. It does not directly change the encoded amino acid sequence of the ADAR protein. It affects a nucleotide within the consensus splice site. This variant is not present in population databases (gnomAD no frequency). This variant has not been reported in the literature in individuals affected with ADAR-related conditions. Variants that disrupt the consensus splice site are a relatively common cause of aberrant splicing (PMID: 17576681, 9536098). Algorithms developed to predict the effect of sequence changes on RNA splicing suggest that this variant is not likely to affect RNA splicing. In summary, the available evidence is currently insufficient to determine the role of this variant in disease. Therefore, it has been classified as a Variant of Uncertain Significance.

Literature cited by the submitters: PubMed 17576681; PubMed 9536098.

NM_001111.5(ADAR):c.1934+4T>C

Gene: ADAR (adenosine deaminase RNA specific; minus strand). Cytogenetic location: 1q21.3.
Variant type: single nucleotide variant.
Coding change: c.1934+4T>C on transcript NM_001111.5 (MANE Select); 4 bases into the intron after coding-DNA position 1934, T replaced by C.
Molecular consequence: intron variant.
Genome position (GRCh38, 1-based): chr1:154,597,824, A>G on the plus strand (T>C on the coding strand, the complement: ADAR is on the minus strand). VCF-style: chr1-154597824-A-G. GRCh37 (hg19) VCF-style: chr1-154570300-A-G.
Other names: c.1049+4T>C (NM_001365046.1, NM_001025107.3, NM_001365048.1 and 3 more transcripts); c.1961+4T>C (NM_001365045.1); c.1934+4T>C (NM_015841.4, NM_015840.4).
Identifiers: ClinVar variation 2947490 (VCV002947490.3), dbSNP rs2526603921, ClinGen allele CA2740090378.